The following is an entry in ClinVar:

ClinVar aggregate classification (germline): Likely pathogenic (1 of 4 stars; one submission).

Conditions:
Focal segmental glomerulosclerosis 2 (FSGS2). Identifiers: Orphanet 656, MedGen C1858915, MONDO:0011390, OMIM 603965.

Submission:

Neuberg Centre For Genomic Medicine, NCGM
Classification: Likely pathogenic for Focal segmental glomerulosclerosis 2. Review status: criteria provided, single submitter. Criteria: ACMG Guidelines, 2015. Collection method: clinical testing. Allele origin: germline. Inheritance: Autosomal dominant inheritance. Affected: yes.
Comment: The stop gained c.368C>G p.Ser123Ter variant in TRPC6 gene has not been reported previously as a pathogenic variant nor as a benign variant, to our knowledge. The c.368C>G variant is novel not in any individuals in gnomAD Exomes and 1000 Genomes. This variant has not been reported to the ClinVar database. The nucleotide change c.368C>G in TRPC6 is predicted as conserved by GERP++ and PhyloP across 100 vertebrates. This sequence change creates a premature translational stop signal p.Ser123Ter in the TRPC6 gene. This variant is predicted to cause loss of normal protein function through protein truncation. Loss of function variants in TRPC6 gene have been previously reported to be pathogenic Riehle et al., 2016. However, additional functional studies will be required to prove the pathogenicity of this variant. For these reasons, this variant has been classified as Likely Pathogenic.

NM_004621.6(TRPC6):c.368C>G (p.Ser123Ter)

Gene: TRPC6 (transient receptor potential cation channel subfamily C member 6; minus strand). Cytogenetic location: 11q22.1.
Variant type: single nucleotide variant.
Coding change: c.368C>G on transcript NM_004621.6 (MANE Select); coding-DNA position 368, C replaced by G.
Protein change: p.Ser123Ter; replaces serine 123 with a stop codon.
Molecular consequence: nonsense.
Genome position (GRCh38, 1-based): chr11:101,504,601, G>C on the plus strand (C>G on the coding strand, the complement: TRPC6 is on the minus strand). VCF-style: chr11-101504601-G-C. GRCh37 (hg19) VCF-style: chr11-101375332-G-C.
Other names: short protein forms S123*.
Identifiers: ClinVar variation 3235004 (VCV003235004.1), dbSNP rs2496225413, ClinGen allele CA382450724.